The following is an entry in ClinVar:

NM_005359.6(SMAD4):c.905-13G>T

Gene: SMAD4 (SMAD family member 4; plus strand). Cytogenetic location: 18q21.2.
Variant type: single nucleotide variant.
Coding change: c.905-13G>T on transcript NM_005359.6 (MANE Select); 13 bases into the intron before coding-DNA position 905, G replaced by T.
Molecular consequence: intron variant.
Genome position (GRCh38, 1-based): chr18:51,059,853, G>T. VCF-style: chr18-51059853-G-T. GRCh37 (hg19) VCF-style: chr18-48586223-G-T.
Other names: c.905-13G>T (NM_001407042.1, NM_001407041.1, NM_001407043.1).
Identifiers: ClinVar variation 3904171 (VCV003904171.1).

ClinVar aggregate classification (germline): Likely benign (1 of 4 stars; one submission).

Conditions:
Juvenile polyposis/hereditary hemorrhagic telangiectasia syndrome (JPHT). Also called: JP/HHT SYNDROME; JUVENILE POLYPOSIS WITH HEREDITARY HEMORRHAGIC TELANGIECTASIA; POLYPOSIS, GENERALIZED JUVENILE, WITH PULMONARY ARTERIOVENOUS MALFORMATION; TELANGIECTASIA, HEREDITARY HEMORRHAGIC, WITH JUVENILE POLYPOSIS COLI; Juvenile Polyposis Syndrome / Hereditary Hemorrhagic Telangiectasia (JPS/HHT). Identifiers: Orphanet 2929, MedGen C1832942, MONDO:0008278, OMIM 175050.

gnomAD v4.1: 1 of 1,607,034 alleles (0.000062%); no homozygotes.

Submission:

Myriad Genetics, Inc.
Classification: Likely benign for Juvenile polyposis/hereditary hemorrhagic telangiectasia syndrome. Last evaluated: 2025-03-20. Review status: criteria provided, single submitter. Criteria: Myriad Autosomal Dominant, Autosomal Recessive and X-Linked Classification Criteria (2023). Collection method: clinical testing. Allele origin: unknown.
Comment: This variant is considered likely benign. This variant is intronic and is not expected to impact mRNA splicing.